The following is an entry in ClinVar:

ClinVar aggregate classification (germline): Uncertain significance (1 of 4 stars; one submission).

Submission:

Labcorp Genetics (formerly Invitae), Labcorp
Classification: Uncertain significance. Last evaluated: 2025-12-30. Review status: criteria provided, single submitter. Criteria: Invitae Variant Classification Sherloc (09022015). Collection method: clinical testing. Allele origin: germline.
Comment: This variant, c.1852_1854del, results in the deletion of 1 amino acid(s) of the LRP5 protein (p.Phe618del), but otherwise preserves the integrity of the reading frame. This variant is not present in population databases (gnomAD no frequency). This variant has not been reported in the literature in individuals affected with LRP5-related conditions. Experimental studies and prediction algorithms are not available or were not evaluated, and the functional significance of this variant is currently unknown. In summary, the available evidence is currently insufficient to determine the role of this variant in disease. Therefore, it has been classified as a Variant of Uncertain Significance.

NM_002335.4(LRP5):c.1849TTC[1] (p.Phe618del)

Gene: LRP5 (LDL receptor related protein 5; plus strand). Cytogenetic location: 11q13.2.
Variant type: Microsatellite.
Coding change: c.1849TTC[1] on transcript NM_002335.4 (MANE Select); one copy of the 3-base unit TTC starting at c.1849; the reference has two copies in a row; one copy, 3 bases deleted.
Protein change: p.Phe618del; deletes phenylalanine 618.
Molecular consequence: inframe deletion.
Genome position (GRCh38, 1-based): chr11:68,406,574-68,406,576, TTC deleted; deleting any 3 consecutive bases within chr11:68,406,570-68,406,576 gives the same sequence; the position shown is the placement nearest the transcript's 3' end. VCF-style (leftmost placement, unchanged base first): chr11-68406569-GCTT-G. GRCh37 (hg19) VCF-style: chr11-68174037-GCTT-G.
Other names: c.106TTC[1], p.Phe37del (NM_001291902.2); short protein forms F37del, F618del.
Identifiers: ClinVar variation 4734433 (VCV004734433.1).
Genomic context (GRCh38, chr11:68,406,569, plus strand): 5'-TGTGTTCGCTTCCAGGAACCAACCCGTGTGCGGACAGGAACGGGGGGTGCAGCCACCTGT[GCTT>G]CTTCACACCCCACGCAACCCGGTGTGGCTGCCCCATCGGCCTGGAGCTGCTGAGTGACAT-3'